The following is an entry in ClinVar:

NM_182972.3(IRF2BP2):c.1411C>G (p.Pro471Ala)

Gene: IRF2BP2 (interferon regulatory factor 2 binding protein 2; minus strand). Cytogenetic location: 1q42.3.
Variant type: single nucleotide variant.
Coding change: c.1411C>G on transcript NM_182972.3 (MANE Select); coding-DNA position 1411, C replaced by G.
Protein change: p.Pro471Ala; replaces proline 471 with alanine.
Molecular consequence: missense variant.
Genome position (GRCh38, 1-based): chr1:234,607,490, G>C on the plus strand (C>G on the coding strand, the complement: IRF2BP2 is on the minus strand). VCF-style: chr1-234607490-G-C. GRCh37 (hg19) VCF-style: chr1-234743236-G-C.
Other names: c.1363C>G, p.Pro455Ala (NM_001077397.1); short protein forms P455A, P471A.
Identifiers: ClinVar variation 2754060 (VCV002754060.3), dbSNP rs1273629019, ClinGen allele CA345305770.

ClinVar aggregate classification (germline): Uncertain significance (1 of 4 stars; one submission).

gnomAD v4.1: 1 of 1,614,140 alleles (0.000062%); highest among the groups gnomAD compares: Non-Finnish European, 0.000085%; no homozygotes.

Submission:

Labcorp Genetics (formerly Invitae), Labcorp
Classification: Uncertain significance. Last evaluated: 2025-11-24. Review status: criteria provided, single submitter. Criteria: Invitae Variant Classification Sherloc (09022015). Collection method: clinical testing. Allele origin: germline.
Comment: This sequence change replaces proline, which is neutral and non-polar, with alanine, which is neutral and non-polar, at codon 471 of the IRF2BP2 protein (p.Pro471Ala). This variant is not present in population databases (gnomAD no frequency). This variant has not been reported in the literature in individuals affected with IRF2BP2-related conditions. ClinVar contains an entry for this variant (Variation ID: 2754060). An algorithm developed to predict the effect of missense changes on protein structure and function outputs the following: PolyPhen-2: "Probably Damaging". The alanine amino acid residue is found in multiple mammalian species, which suggests that this missense change does not adversely affect protein function. In summary, the available evidence is currently insufficient to determine the role of this variant in disease. Therefore, it has been classified as a Variant of Uncertain Significance.